The following is an entry in ClinVar:

ClinVar aggregate classification (germline): Likely pathogenic (1 of 4 stars; one submission).

Allele frequency attached by ClinVar (database versions not stated): gnomAD exomes below 0.00001.
gnomAD v4.1: 1 of 1,611,888 alleles (0.000062%); highest among the groups gnomAD compares: Non-Finnish European, 0.000085%; no homozygotes.

Submission:

GeneDx
Classification: Likely pathogenic. Last evaluated: 2017-04-06. Review status: criteria provided, single submitter. Criteria: GeneDx Variant Classification (06012015). Collection method: clinical testing. Allele origin: germline. Affected: yes.
Comment: The W3455X variant in the HERC1 gene has not been reported previously as a pathogenic variant, nor as a benign variant, to our knowledge. This variant is predicted to cause loss of normal protein function either through protein truncation or nonsense-mediated mRNA decay. The W3455X variant is not observed in large population cohorts (Lek et al., 2016; 1000 Genomes Consortium et al., 2015; Exome Variant Server). We interpret W3455X as a likely pathogenic variant.

NM_003922.4(HERC1):c.10365G>A (p.Trp3455Ter)

Gene: HERC1 (HECT and RLD domain containing E3 ubiquitin protein ligase family member 1; minus strand). Cytogenetic location: 15q22.31.
Variant type: single nucleotide variant.
Coding change: c.10365G>A on transcript NM_003922.4 (MANE Select); coding-DNA position 10365, G replaced by A.
Protein change: p.Trp3455Ter; replaces tryptophan 3455 with a stop codon.
Molecular consequence: nonsense.
Genome position (GRCh38, 1-based): chr15:63,652,467, C>T on the plus strand (G>A on the coding strand, the complement: HERC1 is on the minus strand). VCF-style: chr15-63652467-C-T. GRCh37 (hg19) VCF-style: chr15-63944666-C-T.
Other names: short protein forms W3455*.
Identifiers: ClinVar variation 426718 (VCV000426718.2), dbSNP rs1085307759, ClinGen allele CA392753774.